The following is an entry in ClinVar:

NM_030877.5(CTNNBL1):c.880T>C (p.Ser294Pro)

Gene: CTNNBL1 (catenin beta like 1; plus strand). Cytogenetic location: 20q11.23.
Variant type: single nucleotide variant.
Coding change: c.880T>C on transcript NM_030877.5 (MANE Select); coding-DNA position 880, T replaced by C.
Protein change: p.Ser294Pro; replaces serine 294 with proline.
Molecular consequence: missense variant.
Genome position (GRCh38, 1-based): chr20:37,777,710, T>C. VCF-style: chr20-37777710-T-C. GRCh37 (hg19) VCF-style: chr20-36406112-T-C.
Other names: c.799T>C, p.Ser267Pro (NM_001281495.2); short protein forms S267P, S294P.
Identifiers: ClinVar variation 4883705 (VCV004883705.2).
Genomic context (GRCh38, chr20:37,777,710, plus strand): 5'-TTAGAAAACAGGGAATTGCTTGGGGAGCTGGATGGAATCGATGTGCTTCTTCAGCAGTTA[T>C]CCGTGAGTAATTCTTATGCTTCCTGTCTGCTGTAAGATACATGGTCTGCTTTGAATGGGA-3'
Protein context (NP_110517.2, residues 284-304): DGIDVLLQQL[Ser294Pro]VFKRHNPSTA

ClinVar aggregate classification (germline): Uncertain significance (1 of 4 stars; one submission).

Conditions:
Immunodeficiency 99 with hypogammaglobulinemia and autoimmune cytopenias (IMD99). Identifiers: MedGen C5676971, MONDO:0030798, OMIM 619846.

Submission:

Dasa
Classification: Uncertain significance for Immunodeficiency 99 with hypogammaglobulinemia and autoimmune cytopenias. Last evaluated: 2026-02-04. Review status: criteria provided, single submitter. Criteria: DASA Assertion Criteria. Collection method: clinical testing. Allele origin: germline.
Comment: NM_030877.5(CTNNBL1):c.880T>C (p.Ser294Pro) is a missense variant that results in the substitution of serine with proline. This variant is rare in population databases. Computational prediction algorithms are consistent with a deleterious effect. The currently available literature and clinical evidence are not sufficient to establish a definitive association between this variant and the reported condition. Therefore, this variant is classified as a variant of uncertain significance.